The following is an entry in ClinVar:

NM_139076.3(ABRAXAS1):c.84C>G (p.Asp28Glu)

Genes: ABRAXAS1 (abraxas 1, BRCA1 A complex subunit; minus strand), LOC129992784 (ATAC-STARR-seq lymphoblastoid silent region 15542; plus strand). Cytogenetic location: 4q21.23.
Variant type: single nucleotide variant.
Coding change: c.84C>G on transcript NM_139076.3 (MANE Select); coding-DNA position 84, C replaced by G.
Protein change: p.Asp28Glu; replaces aspartic acid 28 with glutamic acid.
Molecular consequence: missense variant. On other transcripts: 5 prime UTR variant (1).
Genome position (GRCh38, 1-based): chr4:83,484,989, G>C on the plus strand (C>G on the coding strand, the complement: ABRAXAS1 is on the minus strand). VCF-style: chr4-83484989-G-C. GRCh37 (hg19) VCF-style: chr4-84406142-G-C.
Other names: c.-177C>G (NM_001345962.2); short protein forms D28E.
Identifiers: ClinVar variation 411328 (VCV000411328.11), dbSNP rs1060503255, ClinGen allele CA16611736.

ClinVar aggregate classification (germline): Uncertain significance (1 of 4 stars; one submission).

Submission:

Labcorp Genetics (formerly Invitae), Labcorp
Classification: Uncertain significance. Last evaluated: 2023-06-14. Review status: criteria provided, single submitter. Criteria: Invitae Variant Classification Sherloc (09022015). Collection method: clinical testing. Allele origin: germline.
Comment: This variant has not been reported in the literature in individuals affected with ABRAXAS1-related conditions. Advanced modeling of protein sequence and biophysical properties (such as structural, functional, and spatial information, amino acid conservation, physicochemical variation, residue mobility, and thermodynamic stability) performed at Invitae indicates that this missense variant is expected to disrupt ABRAXAS1 protein function. ClinVar contains an entry for this variant (Variation ID: 411328). This variant is not present in population databases (gnomAD no frequency). This sequence change replaces aspartic acid, which is acidic and polar, with glutamic acid, which is acidic and polar, at codon 28 of the ABRAXAS1 protein (p.Asp28Glu). In summary, the available evidence is currently insufficient to determine the role of this variant in disease. Therefore, it has been classified as a Variant of Uncertain Significance.